The following is an entry in ClinVar:

NM_003001.5(SDHC):c.20+98C>T

Gene: SDHC (succinate dehydrogenase complex subunit C; plus strand). Cytogenetic location: 1q23.3.
Variant type: single nucleotide variant.
Coding change: c.20+98C>T on transcript NM_003001.5 (MANE Select); 98 bases into the intron after coding-DNA position 20, C replaced by T.
Molecular consequence: intron variant. On other transcripts: 5 prime UTR variant (1).
Genome position (GRCh38, 1-based): chr1:161,314,523, C>T. VCF-style: chr1-161314523-C-T. GRCh37 (hg19) VCF-style: chr1-161284313-C-T.
Other names: c.-443C>T (NM_001407119.1); c.-210+98C>T (NM_001407120.1); c.20+98C>T (NM_001407115.1, NM_001035511.3, NM_001035512.3 and 6 more transcripts).
Identifiers: ClinVar variation 1989142 (VCV001989142.4), dbSNP rs2102272439, ClinGen allele CA2580061303.

ClinVar aggregate classification (germline): Uncertain significance (1 of 4 stars; one submission).

Conditions:
Pheochromocytoma/paraganglioma syndrome 3. Also called: GLOMUS TUMORS, FAMILIAL, 3; Paragangliomas 3; SDHC-Related Hereditary Paraganglioma-Pheochromocytoma Syndrome (Paragangliomas 3); SDHC-Related Hereditary Paraganglioma-Pheochromocytoma Syndrome. Identifiers: Orphanet 29072, MedGen C1854336, MONDO:0011544, OMIM 605373.
Gastrointestinal stromal tumor. Also called: Gastrointestinal stroma tumor; Gastrointestinal stromal tumor, somatic. Identifiers: Orphanet 44890, MedGen C0238198, MeSH D046152, MONDO:0011719, OMIM 606764, HP:0100723.

Allele frequency attached by ClinVar (database versions not stated): gnomAD exomes below 0.00001.
gnomAD v4.1: 1 of 1,462,248 alleles (0.000068%); highest among the groups gnomAD compares: Middle Eastern, 0.017%; no homozygotes.

Submission:

Labcorp Genetics (formerly Invitae), Labcorp
Classification: Uncertain significance for Pheochromocytoma/paraganglioma syndrome 3; Gastrointestinal stromal tumor. Last evaluated: 2025-10-13. Review status: criteria provided, single submitter. Criteria: Invitae Variant Classification Sherloc (09022015). Collection method: clinical testing. Allele origin: germline.
Comment: This sequence change falls in intron 1 of the SDHC gene. It does not directly change the encoded amino acid sequence of the SDHC protein. RNA analysis indicates that this variant induces altered splicing and may result in an absent or altered protein product. This variant is not present in population databases (gnomAD no frequency). This variant has not been reported in the literature in individuals affected with SDHC-related conditions. ClinVar contains an entry for this variant (Variation ID: 1989142). Studies have shown that this variant results in activation of a cryptic splice site, and produces a non-functional protein and/or introduces a premature termination codon (internal data). In summary, the available evidence is currently insufficient to determine the role of this variant in disease. Therefore, it has been classified as a Variant of Uncertain Significance.